The following is an entry in ClinVar:

NM_004973.4(JARID2):c.2362C>T (p.Arg788Ter)

Gene: JARID2 (jumonji and AT-rich interaction domain containing 2; plus strand). Cytogenetic location: 6p22.3.
Variant type: single nucleotide variant.
Coding change: c.2362C>T on transcript NM_004973.4 (MANE Select); coding-DNA position 2362, C replaced by T.
Protein change: p.Arg788Ter; replaces arginine 788 with a stop codon.
Molecular consequence: nonsense.
Genome position (GRCh38, 1-based): chr6:15,501,323, C>T. VCF-style: chr6-15501323-C-T. GRCh37 (hg19) VCF-style: chr6-15501554-C-T.
Other names: c.1846C>T, p.Arg616Ter (NM_001267040.1); short protein forms R616*, R788*.
Identifiers: ClinVar variation 4278704 (VCV004278704.1).

ClinVar aggregate classification (germline): Pathogenic (1 of 4 stars; one submission).

gnomAD v4.1: 1 of 1,608,100 alleles (0.000062%); highest among the groups gnomAD compares: Non-Finnish European, 0.000085%; no homozygotes.

Submission:

GeneDx
Classification: Pathogenic. Last evaluated: 2025-03-31. Review status: criteria provided, single submitter. Criteria: GeneDx Variant Classification Process June 2021. Collection method: clinical testing. Allele origin: germline. Affected: yes.
Comment: Nonsense variant predicted to result in protein truncation or nonsense mediated decay in a gene for which loss of function is a known mechanism of disease; Not observed at significant frequency in large population cohorts (gnomAD); Has not been previously published as pathogenic or benign to our knowledge